The following is an entry in ClinVar:

NM_024915.4(GRHL2):c.1348T>A (p.Ser450Thr)

Gene: GRHL2 (grainyhead like transcription factor 2; plus strand). Cytogenetic location: 8q22.3.
Variant type: single nucleotide variant.
Coding change: c.1348T>A on transcript NM_024915.4 (MANE Select); coding-DNA position 1348, T replaced by A.
Protein change: p.Ser450Thr; replaces serine 450 with threonine.
Molecular consequence: missense variant.
Genome position (GRCh38, 1-based): chr8:101,632,228, T>A. VCF-style: chr8-101632228-T-A. GRCh37 (hg19) VCF-style: chr8-102644456-T-A.
Other names: c.1300T>A, p.Ser434Thr (NM_001330593.2); short protein forms S450T, S434T.
Identifiers: ClinVar variation 227415 (VCV000227415.14), dbSNP rs141136371, ClinGen allele CA4830557.

ClinVar aggregate classification (germline): Conflicting classifications of pathogenicity. Review status: criteria provided, conflicting classifications (1 of 4 stars). 5 submissions from 5 submitters: Uncertain significance (4); Likely benign (1). Last evaluated 2025-09-10.

Conditions:
GRHL2-related disorder. Also called: GRHL2-related disorders; GRHL2-related condition.
Corneal dystrophy, posterior polymorphous, 4. Identifiers: MedGen C4747961, MONDO:0054832, OMIM 618031.
Inborn genetic diseases. Identifiers: MedGen C0950123, MeSH D030342.

Allele frequency attached by ClinVar (database versions not stated): gnomAD 0.00003 and 0.00004; TOPMed 0.00004; ExAC 0.00007; gnomAD exomes 0.00007; ESP Exome Variant Server 0.00008.
gnomAD v4.1: 109 of 1,613,714 alleles (0.0068%); highest among the groups gnomAD compares: Non-Finnish European, 0.0086%; no homozygotes.

Submissions (5):

Genomic Medicine Center of Excellence, King Faisal Specialist Hospital and Research Centre
Classification: Uncertain significance for Corneal dystrophy, posterior polymorphous, 4. Last evaluated: 2025-09-10. Review status: criteria provided, single submitter. Criteria: ACMG Guidelines, 2015. Collection method: clinical testing. Allele origin: germline.

PreventionGenetics, part of Exact Sciences
Classification: Uncertain significance for GRHL2-related condition. Last evaluated: 2025-01-25. Review status: criteria provided, single submitter. Criteria: ACMG Guidelines, 2015. Collection method: clinical testing. Allele origin: germline.
Comment: The GRHL2 c.1348T>A variant is predicted to result in the amino acid substitution p.Ser450Thr. To our knowledge, this variant has not been reported in the literature. This variant is reported in 0.013% of alleles in individuals of European (Non-Finnish) descent in gnomAD. At this time, the clinical significance of this variant is uncertain due to the absence of conclusive functional and genetic evidence.

Labcorp Genetics (formerly Invitae), Labcorp
Classification: Uncertain significance. Last evaluated: 2024-12-02. Review status: criteria provided, single submitter. Criteria: Invitae Variant Classification Sherloc (09022015). Collection method: clinical testing. Allele origin: germline.
Comment: This sequence change replaces serine, which is neutral and polar, with threonine, which is neutral and polar, at codon 450 of the GRHL2 protein (p.Ser450Thr). This variant is present in population databases (rs141136371, gnomAD 0.01%). This variant has not been reported in the literature in individuals affected with GRHL2-related conditions. ClinVar contains an entry for this variant (Variation ID: 227415). An algorithm developed to predict the effect of missense changes on protein structure and function outputs the following: PolyPhen-2: "Benign". The threonine amino acid residue is found in multiple mammalian species, which suggests that this missense change does not adversely affect protein function. In summary, the available evidence is currently insufficient to determine the role of this variant in disease. Therefore, it has been classified as a Variant of Uncertain Significance.

Ambry Genetics
Classification: Uncertain significance for Inborn genetic diseases. Last evaluated: 2021-10-22. Review status: criteria provided, single submitter. Criteria: Ambry Variant Classification Scheme 2023. Collection method: clinical testing. Allele origin: germline.

Laboratory for Molecular Medicine, Mass General Brigham Personalized Medicine
Classification: Likely benign. Last evaluated: 2015-12-17. Review status: criteria provided, single submitter. Criteria: LMM Criteria. Collection method: clinical testing. Allele origin: germline. Observed: 1 variant allele.
Comment: p.Ser450Thr in exon 11 of GRHL2: This variant is not expected to have clinical s ignificance due to a lack of conservation across species, including mammals. Of note, the Tasmanian devil, opossum, and wallaby have a threonine (Thr) at this p osition despite high nearby amino acid conservation. In addition, computational prediction tools do not suggest a high likelihood of impact to the protein.